The following is an entry in ClinVar:

ClinVar aggregate classification (germline): Uncertain significance (1 of 4 stars; one submission).

gnomAD v4.1: 2 of 1,614,008 alleles (0.00012%); highest among the groups gnomAD compares: Admixed American, 0.0017%; no homozygotes.

Submission:

Labcorp Genetics (formerly Invitae), Labcorp
Classification: Uncertain significance. Last evaluated: 2024-08-15. Review status: criteria provided, single submitter. Criteria: Invitae Variant Classification Sherloc (09022015). Collection method: clinical testing. Allele origin: germline.
Comment: This sequence change replaces lysine, which is basic and polar, with arginine, which is basic and polar, at codon 541 of the SPTA1 protein (p.Lys541Arg). This variant is present in population databases (no rsID available, gnomAD 0.003%). This variant has not been reported in the literature in individuals affected with SPTA1-related conditions. Invitae Evidence Modeling of protein sequence and biophysical properties (such as structural, functional, and spatial information, amino acid conservation, physicochemical variation, residue mobility, and thermodynamic stability) indicates that this missense variant is not expected to disrupt SPTA1 protein function with a negative predictive value of 80%. In summary, the available evidence is currently insufficient to determine the role of this variant in disease. Therefore, it has been classified as a Variant of Uncertain Significance.

NM_003126.4(SPTA1):c.1622A>G (p.Lys541Arg)

Gene: SPTA1 (spectrin alpha, erythrocytic 1; minus strand). Cytogenetic location: 1q23.1.
Variant type: single nucleotide variant.
Coding change: c.1622A>G on transcript NM_003126.4 (MANE Select); coding-DNA position 1622, A replaced by G.
Protein change: p.Lys541Arg; replaces lysine 541 with arginine.
Molecular consequence: missense variant.
Genome position (GRCh38, 1-based): chr1:158,669,764, T>C on the plus strand (A>G on the coding strand, the complement: SPTA1 is on the minus strand). VCF-style: chr1-158669764-T-C. GRCh37 (hg19) VCF-style: chr1-158639554-T-C.
Other names: short protein forms K541R.
Identifiers: ClinVar variation 3631135 (VCV003631135.2).